The following is an entry in ClinVar:

ClinVar aggregate classification (germline): Benign (1 of 4 stars; one submission).

Conditions:
Landau-Kleffner syndrome (FESD). Also called: APHASIA, ACQUIRED, WITH EPILEPSY; EPILEPSY, FOCAL, WITH SPEECH DISORDER AND WITH OR WITHOUT MENTAL RETARDATION. Identifiers: Orphanet 1945, Orphanet 725, Orphanet 98818, MedGen C0282512, MONDO:0009509, OMIM 245570.

Allele frequency attached by ClinVar (database versions not stated): 1000 Genomes Project 0.00160; 1000 Genomes Project 30x 0.00156.
gnomAD v4.1: 55 of 200,624 alleles (0.027%); highest among the groups gnomAD compares: Middle Eastern, 0.34%; 1 homozygote.

Submission:

Illumina Laboratory Services, Illumina
Classification: Benign for Landau-Kleffner syndrome. Last evaluated: 2018-01-12. Review status: criteria provided, single submitter. Criteria: ICSL Variant Classification Criteria 13 December 2019. Collection method: clinical testing. Allele origin: germline.
Comment: This variant was observed in the ICSL laboratory as part of a predisposition screen in an ostensibly healthy population. It had not been previously curated by ICSL or reported in the Human Gene Mutation Database (HGMD: prior to June 1st, 2018), and was therefore a candidate for classification through an automated scoring system. Utilizing variant allele frequency, disease prevalence and penetrance estimates, and inheritance mode, an automated score was calculated to assess if this variant is too frequent to cause the disease. Based on the score and internal cut-off values, a variant classified as benign is not then subjected to further curation. The score for this variant resulted in a classification of benign for this disease.

NM_001134407.3(GRIN2A):c.*7324G>C

Gene: GRIN2A (glutamate ionotropic receptor NMDA type subunit 2A; minus strand). Cytogenetic location: 16p13.2.
Variant type: single nucleotide variant.
Coding change: c.*7324G>C on transcript NM_001134407.3 (MANE Select); 7324 bases downstream of the stop codon, G replaced by C.
Molecular consequence: 3 prime UTR variant.
Genome position (GRCh38, 1-based): chr16:9,755,825, C>G on the plus strand (G>C on the coding strand, the complement: GRIN2A is on the minus strand). VCF-style: chr16-9755825-C-G. GRCh37 (hg19) VCF-style: chr16-9849682-C-G.
Other names: c.*7324G>C (NM_000833.5); c.*7530G>C (NM_001134408.2).
Identifiers: ClinVar variation 885005 (VCV000885005.4), dbSNP rs16966244, ClinGen allele CA277528508.